The following is an entry in ClinVar:

NM_182914.3(SYNE2):c.3804A>G (p.Ile1268Met)

Gene: SYNE2 (spectrin repeat containing nuclear envelope protein 2; plus strand). Cytogenetic location: 14q23.2.
Variant type: single nucleotide variant.
Coding change: c.3804A>G on transcript NM_182914.3 (MANE Select); coding-DNA position 3804, A replaced by G.
Protein change: p.Ile1268Met; replaces isoleucine 1268 with methionine.
Molecular consequence: missense variant.
Genome position (GRCh38, 1-based): chr14:64,002,737, A>G. VCF-style: chr14-64002737-A-G. GRCh37 (hg19) VCF-style: chr14-64469455-A-G.
Other names: c.3804A>G, p.Ile1268Met (NM_015180.6); short protein forms I1268M.
Identifiers: ClinVar variation 567913 (VCV000567913.8), dbSNP rs753563194, ClinGen allele CA7220076.

ClinVar aggregate classification (germline): Uncertain significance (1 of 4 stars; one submission).

Conditions:
Emery-Dreifuss muscular dystrophy 5, autosomal dominant (EDMD5). Also called: EMERY-DREIFUSS MUSCULAR DYSTROPHY 5. Identifiers: Orphanet 261, MedGen C2751805, MONDO:0013072, OMIM 612999.

Allele frequency attached by ClinVar (database versions not stated): gnomAD 0.00001; gnomAD exomes 0.00001 and 0.00002; TOPMed 0.00001; ExAC 0.00002.
gnomAD v4.1: 22 of 1,612,864 alleles (0.0014%); highest among the groups gnomAD compares: Non-Finnish European, 0.0016%; no homozygotes.

Submission:

Labcorp Genetics (formerly Invitae), Labcorp
Classification: Uncertain significance for Emery-Dreifuss muscular dystrophy 5, autosomal dominant. Last evaluated: 2024-11-15. Review status: criteria provided, single submitter. Criteria: Invitae Variant Classification Sherloc (09022015). Collection method: clinical testing. Allele origin: germline.
Comment: This sequence change replaces isoleucine, which is neutral and non-polar, with methionine, which is neutral and non-polar, at codon 1268 of the SYNE2 protein (p.Ile1268Met). This variant is present in population databases (rs753563194, gnomAD 0.005%). This variant has not been reported in the literature in individuals affected with SYNE2-related conditions. ClinVar contains an entry for this variant (Variation ID: 567913). An algorithm developed to predict the effect of missense changes on protein structure and function (PolyPhen-2) suggests that this variant is likely to be tolerated. In summary, the available evidence is currently insufficient to determine the role of this variant in disease. Therefore, it has been classified as a Variant of Uncertain Significance.